The following is an entry in ClinVar:

ClinVar aggregate classification (germline): Uncertain significance (1 of 4 stars; one submission).

gnomAD v4.1: 20 of 1,563,454 alleles (0.0013%); highest among the groups gnomAD compares: African/African-American, 0.0041%; no homozygotes.

Submission:

GeneDx
Classification: Uncertain significance. Last evaluated: 2026-03-02. Review status: criteria provided, single submitter. Criteria: GeneDx Variant Classification Process June 2021. Collection method: clinical testing. Allele origin: germline.
Comment: Has not been previously published as pathogenic or benign to our knowledge; No data available from control populations to assess the frequency of this variant; Canonical splice site variant predicted to result in a null allele in a gene for which loss of function is a known mechanism of disease

NM_017570.5(OPLAH):c.-53-2A>G

Gene: OPLAH (5-oxoprolinase, ATP-hydrolysing; minus strand). Cytogenetic location: 8q24.3.
Variant type: single nucleotide variant.
Coding change: c.-53-2A>G on transcript NM_017570.5 (MANE Select); the canonical splice acceptor site of the intron before 53 bases upstream of the start codon, A replaced by G.
Molecular consequence: splice acceptor variant.
Genome position (GRCh38, 1-based): chr8:144,060,087, T>C on the plus strand (A>G on the coding strand, the complement: OPLAH is on the minus strand). VCF-style: chr8-144060087-T-C. GRCh37 (hg19) VCF-style: chr8-145114990-T-C.
Identifiers: ClinVar variation 4891454 (VCV004891454.1).
Genomic context (GRCh38, chr8:144,060,087, plus strand): 5'-GCCCATGGTGGTGGGGCTGGAGTCCCACAGGAGCTCTTCAGCTGGTAGCCCTGGAAAAAC[T>C]GGACGGAGGCGGGGTCAGCCCGGGCTCACCTGCGAGTGGGACTAGAGGCTCCCCAGCCCT-3'